The following is an entry in ClinVar:

ClinVar aggregate classification (germline): Uncertain significance (1 of 4 stars; one submission).

Allele frequency attached by ClinVar (database versions not stated): TOPMed below 0.00001; ExAC 0.00001; gnomAD exomes 0.00001.
gnomAD v4.1: 8 of 1,613,028 alleles (0.0005%); highest among the groups gnomAD compares: Admixed American, 0.0033%; no homozygotes.

Submission:

Labcorp Genetics (formerly Invitae), Labcorp
Classification: Uncertain significance. Last evaluated: 2023-12-12. Review status: criteria provided, single submitter. Criteria: Invitae Variant Classification Sherloc (09022015). Collection method: clinical testing. Allele origin: germline.
Comment: This sequence change replaces threonine, which is neutral and polar, with methionine, which is neutral and non-polar, at codon 1221 of the ZNF687 protein (p.Thr1221Met). This variant is present in population databases (rs768231303, gnomAD 0.003%). This variant has not been reported in the literature in individuals affected with ZNF687-related conditions. An algorithm developed to predict the effect of missense changes on protein structure and function (PolyPhen-2) suggests that this variant is likely to be disruptive. In summary, the available evidence is currently insufficient to determine the role of this variant in disease. Therefore, it has been classified as a Variant of Uncertain Significance.

NM_020832.3(ZNF687):c.3662C>T (p.Thr1221Met)

Gene: ZNF687 (zinc finger protein 687; plus strand). Cytogenetic location: 1q21.3.
Variant type: single nucleotide variant.
Coding change: c.3662C>T on transcript NM_020832.3 (MANE Select); coding-DNA position 3662, C replaced by T.
Protein change: p.Thr1221Met; replaces threonine 1221 with methionine.
Molecular consequence: missense variant.
Genome position (GRCh38, 1-based): chr1:151,291,157, C>T. VCF-style: chr1-151291157-C-T. GRCh37 (hg19) VCF-style: chr1-151263633-C-T.
Other names: c.3662C>T, p.Thr1221Met (NM_001304763.2, NM_001304764.2); short protein forms T1221M.
Identifiers: ClinVar variation 2783183 (VCV002783183.3), dbSNP rs768231303, ClinGen allele CA1088925.